The following is an entry in ClinVar:

NM_006947.4(SRP72):c.340C>T (p.Leu114Phe)

Gene: SRP72 (signal recognition particle 72; plus strand). Cytogenetic location: 4q12.
Variant type: single nucleotide variant.
Coding change: c.340C>T on transcript NM_006947.4 (MANE Select); coding-DNA position 340, C replaced by T.
Protein change: p.Leu114Phe; replaces leucine 114 with phenylalanine.
Molecular consequence: missense variant. On other transcripts: non-coding transcript variant (1).
Genome position (GRCh38, 1-based): chr4:56,471,829, C>T. VCF-style: chr4-56471829-C-T. GRCh37 (hg19) VCF-style: chr4-57337995-C-T.
Other names: c.340C>T, p.Leu114Phe (NM_001267722.2); c.340C>T (NM_006947.3); short protein forms L114F.
Identifiers: ClinVar variation 1717501 (VCV001717501.6), dbSNP rs1719991049, ClinGen allele CA356996260.
Genomic context (GRCh38, chr4:56,471,829, plus strand): 5'-ATTGAGAATGCCTTGAAGACAATAGAAAGTGCCAACCAGCAGACAGACAAACTGAAGGAG[C>T]TTTATGGACAAGTGGTAATTACTGCTTTTAAATACATGTTGACAGTGATACTGAGTGAGC-3'
Protein context (NP_008878.3, residues 104-124): ANQQTDKLKE[Leu114Phe]YGQVLYRLER

ClinVar aggregate classification (germline): Uncertain significance. Review status: criteria provided, multiple submitters, no conflicts (2 of 4 stars). 2 submissions from 2 submitters: Uncertain significance (2). Last evaluated 2025-04-29.

Allele frequency attached by ClinVar (database versions not stated): gnomAD exomes below 0.00001.

Submissions (2):

Ambry Genetics
Classification: Uncertain significance. Last evaluated: 2025-04-29. Review status: criteria provided, single submitter. Criteria: Ambry Variant Classification Scheme 2023. Collection method: clinical testing. Allele origin: germline.
Comment: The p.L114F variant (also known as c.340C>T), located in coding exon 3 of the SRP72 gene, results from a C to T substitution at nucleotide position 340. The leucine at codon 114 is replaced by phenylalanine, an amino acid with highly similar properties. This amino acid position is conserved. In addition, this alteration is predicted to be deleterious by in silico analysis. Based on the available evidence, the clinical significance of this variant remains unclear.

Labcorp Genetics (formerly Invitae), Labcorp
Classification: Uncertain significance. Last evaluated: 2022-08-21. Review status: criteria provided, single submitter. Criteria: Invitae Variant Classification Sherloc (09022015). Collection method: clinical testing. Allele origin: germline.
Comment: In summary, the available evidence is currently insufficient to determine the role of this variant in disease. Therefore, it has been classified as a Variant of Uncertain Significance. This sequence change replaces leucine, which is neutral and non-polar, with phenylalanine, which is neutral and non-polar, at codon 114 of the SRP72 protein (p.Leu114Phe). This variant is not present in population databases (gnomAD no frequency). This variant has not been reported in the literature in individuals affected with SRP72-related conditions. Algorithms developed to predict the effect of missense changes on protein structure and function are either unavailable or do not agree on the potential impact of this missense change (SIFT: "Deleterious"; PolyPhen-2: "Possibly Damaging"; Align-GVGD: "Class C0").